The following is an entry in ClinVar:

NM_000138.5(FBN1):c.2227C>T (p.Arg743Cys)

Gene: FBN1 (fibrillin 1; minus strand). Cytogenetic location: 15q21.1.
Variant type: single nucleotide variant.
Coding change: c.2227C>T on transcript NM_000138.5 (MANE Select); coding-DNA position 2227, C replaced by T.
Protein change: p.Arg743Cys; replaces arginine 743 with cysteine.
Molecular consequence: missense variant.
Genome position (GRCh38, 1-based): chr15:48,497,332, G>A on the plus strand (C>T on the coding strand, the complement: FBN1 is on the minus strand). VCF-style: chr15-48497332-G-A. GRCh37 (hg19) VCF-style: chr15-48789529-G-A.
Other names: p.R743C:CGT>TGT; short protein forms R743C.
Identifiers: ClinVar variation 199993 (VCV000199993.11), dbSNP rs794728188, ClinGen allele CA012886.
Genomic context (GRCh38, chr15:48,497,332, plus strand): 5'-AGTTTTTCCCAGTTGAATCCACTTCATATCCTGAATTGCATATACATTTATAGGTCCCAC[G>A]AAGGTTTTCACAGATTCCATTTGGGCAAATATCAGGATCTAGTGCACATTCATTTATATC-3'
Protein context (NP_000129.3, residues 733-753): ICPNGICENL[Arg743Cys]GTYKCICNSG

ClinVar aggregate classification (germline): Conflicting classifications of pathogenicity. Review status: criteria provided, conflicting classifications (1 of 4 stars). 5 submissions from 5 submitters: Likely pathogenic (4); Uncertain significance (1). Last evaluated 2025-07-07.

Conditions:
Connective tissue disorder. Also called: Connective tissue disease. Identifiers: MedGen C0009782, MONDO:0003900.
Marfan Syndrome/Loeys-Dietz Syndrome/Familial Thoracic Aortic Aneurysms and Dissections. Identifiers: MedGen CN229799.
Familial thoracic aortic aneurysm and aortic dissection (TAAD). Also called: Thoracic aortic aneurysms and dissections. Identifiers: Orphanet 91387, MedGen C4707243, MONDO:0019625.

Allele frequency attached by ClinVar (database versions not stated): gnomAD exomes below 0.00001.
gnomAD v4.1: 2 of 1,613,820 alleles (0.00012%); highest among the groups gnomAD compares: Non-Finnish European, 0.00017%; no homozygotes.

Submissions (5):

Color Diagnostics, LLC DBA Color Health
Classification: Uncertain significance for Familial thoracic aortic aneurysm and aortic dissection. Last evaluated: 2025-07-07. Review status: criteria provided, single submitter. Criteria: ACMG Guidelines, 2015. Collection method: clinical testing. Allele origin: germline.
Comment: This missense variant replaces arginine with cysteine at codon 743 in an EGF-like calcium-binding domain of the FBN1 protein. Computational prediction tools indicate that this variant has deleterious impact on protein structure and function. Cysteine creating variants in cbEGF-like domains have been shown to affect protein stability and are overrepresented among patients with Marfan syndrome (PMID: 15161917, 16571647, 17701892). To our knowledge, functional studies have not been reported for this variant. This variant has not been reported in individuals affected with FBN1-related disorders in the literature. This variant has not been identified in the general population by the Genome Aggregation Database (gnomAD). The available evidence is insufficient to determine the role of this variant in disease conclusively. Therefore, this variant is classified as a Variant of Uncertain Significance.

GeneDx
Classification: Likely pathogenic. Last evaluated: 2024-08-15. Review status: criteria provided, single submitter. Criteria: GeneDx Variant Classification Process June 2021. Collection method: clinical testing. Allele origin: germline. Affected: yes.
Comment: Introduces a new cysteine residue within an EGF-like domain of the FBN1 gene, which may affect disulfide bonding and is predicted to alter the structure and function of the protein; cysteine substitutions in the EGF-like domains represent the majority of pathogenic missense changes associated with FBN1-related disorders (PMID: 12938084); Not observed at significant frequency in large population cohorts (gnomAD); In silico analysis supports that this missense variant has a deleterious effect on protein structure/function; Has not been previously published as pathogenic or benign to our knowledge; This variant is associated with the following publications: (PMID: 10486319, 12938084)

Women's Health and Genetics/Laboratory Corporation of America, LabCorp
Classification: Likely pathogenic for Marfan Syndrome/Loeys-Dietz Syndrome/Familial Thoracic Aortic Aneurysms and Dissections. Last evaluated: 2022-10-19. Review status: criteria provided, single submitter. Criteria: LabCorp Variant Classification Summary - May 2015. Collection method: clinical testing. Allele origin: germline.
Comment: Variant summary: FBN1 c.2227C>T (p.Arg743Cys) results in a non-conservative amino acid change located in a EGF-like domain (IPR000742) of the encoded protein sequence. Four of five in-silico tools predict a damaging effect of the variant on protein function. The variant was absent in 251410 control chromosomes (gnomAD). The available data on variant occurrences in the general population are insufficient to allow any conclusion about variant significance. To our knowledge, no occurrence of c.2227C>T in individuals affected with Marfan Syndrome and no experimental evidence demonstrating its impact on protein function have been reported. However, missense variants located within a calcium binding EGF-like domain that either destroy or create a cysteine residue, as is the case with this variant, are considered likely to impact fibrillin function (e.g. Muino-Mosquera_2018, Baudhuin_2019). Three clinical diagnostic laboratories have submitted clinical-significance assessments for this variant to ClinVar after 2014 and all classified the variant as likely pathogenic. Based on the evidence outlined above, the variant was classified as likely pathogenic.

CHEO Genetics Diagnostic Laboratory, Children's Hospital of Eastern Ontario
Classification: Likely pathogenic for Familial thoracic aortic aneurysm and aortic dissection. Last evaluated: 2021-04-27. Review status: criteria provided, single submitter. Criteria: ACMG Guidelines, 2015. Collection method: clinical testing. Allele origin: germline.

Genome Diagnostics Laboratory, The Hospital for Sick Children
Classification: Likely pathogenic for Connective tissue disorder. Last evaluated: 2020-05-01. Review status: criteria provided, single submitter. Criteria: ACMG Guidelines, 2015. Collection method: clinical testing. Allele origin: germline.

Literature cited by the submitters: PubMed 15161917 (cited by Color Diagnostics, LLC DBA Color Health); PubMed 16571647 (cited by Color Diagnostics, LLC DBA Color Health); PubMed 17701892 (cited by Color Diagnostics, LLC DBA Color Health); PubMed 31227806 (cited by Women's Health and Genetics/Laboratory Corporation of America, LabCorp); PubMed 29875124 (cited by Women's Health and Genetics/Laboratory Corporation of America, LabCorp); PubMed 32989268 (cited by Women's Health and Genetics/Laboratory Corporation of America, LabCorp).